The following is an entry in ClinVar:

ClinVar aggregate classification (germline): Uncertain significance. Review status: criteria provided, multiple submitters, no conflicts (2 of 4 stars). 5 submissions from 5 submitters: Uncertain significance (4). 1 of the submissions does not count toward it. Last evaluated 2025-10-03.

Conditions:
Neuronal ceroid lipofuscinosis 2. Also called: JANSKY-BIELSCHOWSKY DISEASE NEURONAL CEROID LIPOFUSCINOSIS, LATE INFANTILE; TPP1-Related Neuronal Ceroid-Lipofuscinosis. Identifiers: Orphanet 168491, Orphanet 228349, Orphanet 79264, MedGen C1876161, MONDO:0008769, OMIM 204500.

Allele frequency attached by ClinVar (database versions not stated): ExAC 0.00002; gnomAD 0.00003 and 0.00004; TOPMed 0.00003; gnomAD exomes 0.00004 and 0.00013.

Submissions (5):

GeneDx
Classification: Uncertain significance. Last evaluated: 2025-10-03. Review status: criteria provided, single submitter. Criteria: GeneDx Variant Classification Process June 2021. Collection method: clinical testing. Allele origin: germline. Affected: yes.
Comment: Not observed at significant frequency in large population cohorts (gnomAD); In silico analysis suggests that this missense variant does not alter protein structure/function; Has not been previously published as pathogenic or benign to our knowledge

Mayo Clinic Laboratories, Mayo Clinic
Classification: Uncertain significance. Last evaluated: 2024-12-26. Review status: criteria provided, single submitter. Criteria: ACMG Guidelines, 2015. Collection method: clinical testing. Allele origin: germline. Observed: 1 variant allele.
Comment: BP4, PM2_supporting

Blueprint Genetics
Classification: Uncertain significance. Last evaluated: 2024-03-08. Review status: criteria provided, single submitter. Criteria: ACMG Guidelines, 2015. Collection method: clinical testing. Allele origin: germline.

Labcorp Genetics (formerly Invitae), Labcorp
Classification: Uncertain significance. Last evaluated: 2022-10-13. Review status: criteria provided, single submitter. Criteria: Invitae Variant Classification Sherloc (09022015). Collection method: clinical testing. Allele origin: germline.
Comment: This sequence change replaces glutamic acid, which is acidic and polar, with aspartic acid, which is acidic and polar, at codon 83 of the TPP1 protein (p.Glu83Asp). This variant is present in population databases (rs771113565, gnomAD 0.008%). This variant has not been reported in the literature in individuals affected with TPP1-related conditions. ClinVar contains an entry for this variant (Variation ID: 850961). Advanced modeling of protein sequence and biophysical properties (such as structural, functional, and spatial information, amino acid conservation, physicochemical variation, residue mobility, and thermodynamic stability) performed at Invitae indicates that this missense variant is not expected to disrupt TPP1 protein function. In summary, the available evidence is currently insufficient to determine the role of this variant in disease. Therefore, it has been classified as a Variant of Uncertain Significance.

Natera, Inc.
Classification: Uncertain significance for Neuronal ceroid lipofuscinosis 2. Last evaluated: 2020-09-16. Review status: no assertion criteria provided. Collection method: clinical testing. Allele origin: germline. Not counted in ClinVar's aggregate classification.

NM_000391.4(TPP1):c.249G>T (p.Glu83Asp)

Gene: TPP1 (tripeptidyl peptidase 1; minus strand). Cytogenetic location: 11p15.4.
Variant type: single nucleotide variant.
Coding change: c.249G>T on transcript NM_000391.4 (MANE Select); coding-DNA position 249, G replaced by T.
Protein change: p.Glu83Asp; replaces glutamic acid 83 with aspartic acid.
Molecular consequence: missense variant.
Genome position (GRCh38, 1-based): chr11:6,617,757, C>A on the plus strand (G>T on the coding strand, the complement: TPP1 is on the minus strand). VCF-style: chr11-6617757-C-A. GRCh37 (hg19) VCF-style: chr11-6638988-C-A.
Other names: p.Glu83Asp; short protein forms E83D.
Identifiers: ClinVar variation 850961 (VCV000850961.11), dbSNP rs771113565, ClinGen allele CA5859009.